The following is an entry in ClinVar:

NM_007194.4(CHEK2):c.371G>A (p.Cys124Tyr)

Gene: CHEK2 (checkpoint kinase 2; minus strand). Cytogenetic location: 22q12.1.
Variant type: single nucleotide variant.
Coding change: c.371G>A on transcript NM_007194.4 (MANE Select); coding-DNA position 371, G replaced by A.
Protein change: p.Cys124Tyr; replaces cysteine 124 with tyrosine.
Molecular consequence: missense variant.
Genome position (GRCh38, 1-based): chr22:28,725,316, C>T on the plus strand (G>A on the coding strand, the complement: CHEK2 is on the minus strand). VCF-style: chr22-28725316-C-T. GRCh37 (hg19) VCF-style: chr22-29121304-C-T.
Other names: c.500G>A, p.Cys167Tyr (NM_001005735.3); c.-407G>A (NM_001257387.3); c.371G>A, p.Cys124Tyr (NM_001349956.3, NM_145862.3); short protein forms C124Y, C167Y.
Identifiers: ClinVar variation 1692947 (VCV001692947.4), dbSNP rs754768271, ClinGen allele CA10168012.

ClinVar aggregate classification (germline): Uncertain significance. Review status: criteria provided, multiple submitters, no conflicts (2 of 4 stars). 4 submissions from 4 submitters: Uncertain significance (4). Last evaluated 2024-06-19.

Conditions:
Familial cancer of breast. Also called: hereditary breast carcinoma; Hereditary breast cancer; BREAST CANCER, FAMILIAL. Identifiers: Orphanet 227535, MedGen C0346153, MONDO:0016419, OMIM 114480. Disease mechanism: loss of function.
Hereditary cancer-predisposing syndrome. Also called: Hereditary neoplastic syndrome; Tumor predisposition; Neoplastic Syndromes, Hereditary; Hereditary Cancer Syndrome. Identifiers: Orphanet 140162, MedGen C0027672, MeSH D009386, MONDO:0015356.

Allele frequency attached by ClinVar (database versions not stated): gnomAD exomes below 0.00001; ExAC 0.00001.
gnomAD v4.1: 1 of 1,614,068 alleles (0.000062%); highest among the groups gnomAD compares: Non-Finnish European, 0.000085%; no homozygotes.

Submissions (4):

Labcorp Genetics (formerly Invitae), Labcorp
Classification: Uncertain significance for Familial cancer of breast. Last evaluated: 2024-06-19. Review status: criteria provided, single submitter. Criteria: Invitae Variant Classification Sherloc (09022015). Collection method: clinical testing. Allele origin: germline.
Comment: This sequence change replaces cysteine, which is neutral and slightly polar, with tyrosine, which is neutral and polar, at codon 124 of the CHEK2 protein (p.Cys124Tyr). This variant is not present in population databases (gnomAD no frequency). This variant has not been reported in the literature in individuals affected with CHEK2-related conditions. ClinVar contains an entry for this variant (Variation ID: 1692947). An algorithm developed to predict the effect of missense changes on protein structure and function (PolyPhen-2) suggests that this variant is likely to be disruptive. In summary, the available evidence is currently insufficient to determine the role of this variant in disease. Therefore, it has been classified as a Variant of Uncertain Significance.

Color Diagnostics, LLC DBA Color Health
Classification: Uncertain significance for Hereditary cancer-predisposing syndrome. Last evaluated: 2024-03-25. Review status: criteria provided, single submitter. Criteria: ACMG Guidelines, 2015. Collection method: clinical testing. Allele origin: germline.
Comment: This missense variant replaces cysteine with tyrosine at codon 124 of the CHEK2 protein. Computational prediction suggests that this variant may not impact protein structure and function. A functional study has shown that this variant does not impact CHEK2 autophosphorylation or KAP1 phosphorylation in a human cell complementation assay (PMID: 37449874). This variant has been reported in individuals affected with breast, ovarian, or peritoneal cancer (PMID: 32546565, 35696850, 37449874), one of these individuals also carried a pathogenic variant in the BRCA1 gene, which could explain the observed phenotype (PMID: 32546565). This variant has not been identified in the general population by the Genome Aggregation Database (gnomAD). The available evidence is insufficient to determine the role of this variant in disease conclusively. Therefore, this variant is classified as a Variant of Uncertain Significance.

Ambry Genetics
Classification: Uncertain significance for Hereditary cancer-predisposing syndrome. Last evaluated: 2024-03-14. Review status: criteria provided, single submitter. Criteria: Ambry Variant Classification Scheme 2023. Collection method: clinical testing. Allele origin: germline.
Comment: The p.C124Y variant (also known as c.371G>A), located in coding exon 2 of the CHEK2 gene, results from a G to A substitution at nucleotide position 371. The cysteine at codon 124 is replaced by tyrosine, an amino acid with highly dissimilar properties. This alteration was identified in an individual diagnosed with ovarian cancer (Song H et al. J Med Genet, 2021 May;58:305-313). This alteration was reported as functional in a study assessing CHEK2-complementation through quantification of KAP1 phosphorylation and CHK2 autophosphorylation in human RPE1-CHEK2-knockout cells (Stolarova L et al. Clin Cancer Res, 2023 Aug;29:3037-3050). This amino acid position is not well conserved in available vertebrate species. In addition, the in silico prediction for this alteration is inconclusive. Based on the available evidence, the clinical significance of this alteration remains unclear.

Sema4
Classification: Uncertain significance for Hereditary cancer-predisposing syndrome. Last evaluated: 2021-09-25. Review status: criteria provided, single submitter. Criteria: Sema4 Curation Guidelines. Collection method: curation. Allele origin: germline.
Comment: The CHEK2 c.371G>A (p.C124Y) variant has not been reported in literature to our knowledge. This variant was not observed in the large and broad cohorts of the Genome Aggregation Database (PMID: 32461654). This variant has not been reported in ClinVar. Functional studies have not been performed, and in silico predictions of the variant's effect on protein function are inconclusive. The overall evidence is insufficient to meet ACMG/AMP criteria for classifying it as benign or pathogenic. In summary, the clinical significance of this variant is currently uncertain.

Literature cited by the submitters: PubMed 32546565 (cited by Color Diagnostics, LLC DBA Color Health and Ambry Genetics); PubMed 35696850 (cited by Color Diagnostics, LLC DBA Color Health); PubMed 37449874 (cited by Color Diagnostics, LLC DBA Color Health and Ambry Genetics).